The following is an entry in ClinVar:

ClinVar aggregate classification (germline): Likely benign (1 of 4 stars; one submission).

Conditions:
Pyridoxine-dependent epilepsy (EPEO4). Also called: Pyridoxine-Dependent Epilepsy - ALDH7A1; PYRIDOXINE DEPENDENCY WITH SEIZURES; EPILEPSY, EARLY-ONSET, 4, VITAMIN B6-DEPENDENT; Pyridoxine-Dependent Seizures. Identifiers: Orphanet 3006, MedGen C1849508, MONDO:0009945, OMIM 266100. Disease mechanism: loss of function.

Allele frequency attached by ClinVar (database versions not stated): TOPMed 0.00648; gnomAD 0.00559 and 0.00607; 1000 Genomes Project 30x 0.00515; 1000 Genomes Project 0.00519.

Submission:

Illumina Laboratory Services, Illumina
Classification: Likely benign for Pyridoxine-dependent epilepsy. Last evaluated: 2018-01-13. Review status: criteria provided, single submitter. Criteria: ICSL Variant Classification Criteria 13 December 2019. Collection method: clinical testing. Allele origin: germline.
Comment: This variant was observed in the ICSL laboratory as part of a predisposition screen in an ostensibly healthy population. It had not been previously curated by ICSL or reported in the Human Gene Mutation Database (HGMD: prior to June 1st, 2018), and was therefore a candidate for classification through an automated scoring system. Utilizing variant allele frequency, disease prevalence and penetrance estimates, and inheritance mode, an automated score was calculated to assess if this variant is too frequent to cause the disease. Based on the score and internal cut-off values, a variant classified as likely benign is not then subjected to further curation. The score for this variant resulted in a classification of likely benign for this disease.

NM_001182.5(ALDH7A1):c.*2387A>G

Gene: ALDH7A1 (aldehyde dehydrogenase 7 family member A1; minus strand). Cytogenetic location: 5q23.2.
Variant type: single nucleotide variant.
Coding change: c.*2387A>G on transcript NM_001182.5 (MANE Select); 2387 bases downstream of the stop codon, A replaced by G.
Molecular consequence: 3 prime UTR variant.
Genome position (GRCh38, 1-based): chr5:126,542,578, T>C on the plus strand (A>G on the coding strand, the complement: ALDH7A1 is on the minus strand). VCF-style: chr5-126542578-T-C. GRCh37 (hg19) VCF-style: chr5-125878270-T-C.
Other names: c.*2387A>G (NM_001201377.2, NM_001202404.2).
Identifiers: ClinVar variation 350536 (VCV000350536.5), dbSNP rs116566135, ClinGen allele CA10618846.